The following is an entry in ClinVar:

ClinVar aggregate classification (germline): Likely benign. Review status: criteria provided, multiple submitters, no conflicts (2 of 4 stars). 5 submissions from 5 submitters: Likely benign (5). Last evaluated 2025-06-19.

Conditions:
Autosomal dominant nonsyndromic hearing loss 20. Identifiers: Orphanet 90635, MedGen C1858172, MONDO:0011480, OMIM 604717.
Baraitser-winter syndrome 2. Identifiers: Orphanet 2995, MedGen C3281235, MONDO:0013812, OMIM 614583.

Allele frequency attached by ClinVar (database versions not stated): gnomAD exomes 0.00007 and 0.00008; gnomAD 0.00008 and 0.00009; TOPMed 0.00008; ExAC 0.00012; ESP Exome Variant Server 0.00015.
gnomAD v4.1: 137 of 1,613,932 alleles (0.0085%); highest among the groups gnomAD compares: African/African-American, 0.011%; no homozygotes.

Submissions (5):

Women's Health and Genetics/Laboratory Corporation of America, LabCorp
Classification: Likely benign. Last evaluated: 2025-06-19. Review status: criteria provided, single submitter. Criteria: LabCorp Variant Classification Summary - May 2015. Collection method: clinical testing. Allele origin: germline.

Labcorp Genetics (formerly Invitae), Labcorp
Classification: Likely benign for Baraitser-winter syndrome 2; Autosomal dominant nonsyndromic hearing loss 20. Last evaluated: 2025-03-17. Review status: criteria provided, single submitter. Criteria: Invitae Variant Classification Sherloc (09022015). Collection method: clinical testing. Allele origin: germline.

CeGaT Center for Human Genetics Tuebingen
Classification: Likely benign. Last evaluated: 2024-11-01. Review status: criteria provided, single submitter. Criteria: CeGaT Center For Human Genetics Tuebingen Variant Classification Criteria Version 2. Collection method: clinical testing. Allele origin: germline. Affected: yes. Observed: 1 variant allele.
Comment: ACTG1: BP4, BP7

Blueprint Genetics
Classification: Likely benign. Last evaluated: 2024-08-28. Review status: criteria provided, single submitter. Criteria: ACMG Guidelines, 2015. Collection method: clinical testing. Allele origin: germline.

GeneDx
Classification: Likely benign. Last evaluated: 2021-06-02. Review status: criteria provided, single submitter. Criteria: GeneDx Variant Classification Process June 2021. Collection method: clinical testing. Allele origin: germline. Affected: yes.

NM_001614.5(ACTG1):c.858C>T (p.Asp286=)

Gene: ACTG1 (actin gamma 1; minus strand). Cytogenetic location: 17q25.3.
Variant type: single nucleotide variant.
Coding change: c.858C>T on transcript NM_001614.5 (MANE Select); coding-DNA position 858, C replaced by T.
Protein change: p.Asp286=; no amino-acid change (aspartic acid 286 retained).
Molecular consequence: synonymous variant. On other transcripts: non-coding transcript variant (1).
Genome position (GRCh38, 1-based): chr17:81,511,053, G>A on the plus strand (C>T on the coding strand, the complement: ACTG1 is on the minus strand). VCF-style: chr17-81511053-G-A. GRCh37 (hg19) VCF-style: chr17-79478079-G-A.
Other names: c.858C>T, p.Asp286= (NM_001199954.3).
Identifiers: ClinVar variation 379379 (VCV000379379.24), dbSNP rs201277295, ClinGen allele CA8835922.